The following is an entry in ClinVar:

ClinVar aggregate classification (germline): Pathogenic (1 of 4 stars; one submission).

Conditions:
Bardet-Biedl syndrome (BBS). Identifiers: Orphanet 110, MedGen C0752166, MONDO:0015229.

Allele frequency attached by ClinVar (database versions not stated): gnomAD exomes below 0.00001; TOPMed 0.00002; gnomAD 0.00003.
gnomAD v4.1: 7 of 1,612,546 alleles (0.00043%); highest among the groups gnomAD compares: Admixed American, 0.012%; no homozygotes.

Submission:

Labcorp Genetics (formerly Invitae), Labcorp
Classification: Pathogenic for Bardet-Biedl syndrome. Last evaluated: 2023-04-27. Review status: criteria provided, single submitter. Criteria: Invitae Variant Classification Sherloc (09022015). Collection method: clinical testing. Allele origin: germline.
Comment: This sequence change affects a donor splice site in intron 7 of the BBS4 gene. It is expected to disrupt RNA splicing. Variants that disrupt the donor or acceptor splice site typically lead to a loss of protein function (PMID: 16199547), and loss-of-function variants in BBS4 are known to be pathogenic (PMID: 11381270, 12016587, 20177705, 27894351). For these reasons, this variant has been classified as Pathogenic. Algorithms developed to predict the effect of sequence changes on RNA splicing suggest that this variant may disrupt the consensus splice site. Disruption of this splice site has been observed in individual(s) with Bardet-Biedl syndrome (PMID: 23432027). This variant is present in population databases (no rsID available, gnomAD 0.006%).

Literature cited by the submitters: PubMed 16199547; PubMed 11381270; PubMed 12016587; PubMed 20177705; PubMed 27894351; PubMed 23432027.

NM_033028.5(BBS4):c.459+1G>A

Gene: BBS4 (Bardet-Biedl syndrome 4; plus strand). Cytogenetic location: 15q24.1.
Variant type: single nucleotide variant.
Coding change: c.459+1G>A on transcript NM_033028.5 (MANE Select); the canonical splice donor site of the intron after coding-DNA position 459, G replaced by A.
Molecular consequence: splice donor variant.
Genome position (GRCh38, 1-based): chr15:72,722,848, G>A. VCF-style: chr15-72722848-G-A. GRCh37 (hg19) VCF-style: chr15-73015189-G-A.
Other names: c.459+1G>A (NM_001320665.2); c.-58+1G>A (NM_001252678.2).
Identifiers: ClinVar variation 2791174 (VCV002791174.4), dbSNP rs1377618677, ClinGen allele CA393075731.